The following is an entry in ClinVar:

NM_018975.4(TERF2IP):c.916G>A (p.Val306Ile)

Gene: TERF2IP (TERF2 interacting protein; plus strand). Cytogenetic location: 16q23.1.
Variant type: single nucleotide variant.
Coding change: c.916G>A on transcript NM_018975.4 (MANE Select); coding-DNA position 916, G replaced by A.
Protein change: p.Val306Ile; replaces valine 306 with isoleucine.
Molecular consequence: missense variant. On other transcripts: non-coding transcript variant (1).
Genome position (GRCh38, 1-based): chr16:75,656,327, G>A. VCF-style: chr16-75656327-G-A. GRCh37 (hg19) VCF-style: chr16-75690225-G-A.
Other names: short protein forms V306I.
Identifiers: ClinVar variation 3701460 (VCV003701460.2).

ClinVar aggregate classification (germline): Uncertain significance (1 of 4 stars; one submission).

Submission:

Labcorp Genetics (formerly Invitae), Labcorp
Classification: Uncertain significance. Last evaluated: 2025-11-17. Review status: criteria provided, single submitter. Criteria: Invitae Variant Classification Sherloc (09022015). Collection method: clinical testing. Allele origin: germline.
Comment: This sequence change replaces valine, which is neutral and non-polar, with isoleucine, which is neutral and non-polar, at codon 306 of the TERF2IP protein (p.Val306Ile). This variant is not present in population databases (gnomAD no frequency). This variant has not been reported in the literature in individuals affected with TERF2IP-related conditions. ClinVar contains an entry for this variant (Variation ID: 3701460). An algorithm developed to predict the effect of missense changes on protein structure and function (PolyPhen-2) suggests that this variant is likely to be tolerated. In summary, the available evidence is currently insufficient to determine the role of this variant in disease. Therefore, it has been classified as a Variant of Uncertain Significance.